The following is an entry in ClinVar:

ClinVar aggregate classification (germline): Uncertain significance (1 of 4 stars; one submission).

Conditions:
Hereditary cancer-predisposing syndrome. Also called: Neoplastic Syndromes, Hereditary; Tumor predisposition; Hereditary Cancer Syndrome; Hereditary neoplastic syndrome. Identifiers: Orphanet 140162, MedGen C0027672, MeSH D009386, MONDO:0015356.

Submission:

Ambry Genetics
Classification: Uncertain significance for Hereditary cancer-predisposing syndrome. Last evaluated: 2026-06-06. Review status: criteria provided, single submitter. Criteria: Ambry Variant Classification Scheme 2023. Collection method: clinical testing. Allele origin: germline.
Comment: The p.E1309A variant (also known as c.3926A>C), located in coding exon 23 of the PTCH1 gene, results from an A to C substitution at nucleotide position 3926. The glutamic acid at codon 1309 is replaced by alanine, an amino acid with dissimilar properties. This amino acid position is conserved. In addition, the in silico prediction for this alteration is inconclusive. Based on the available evidence, the clinical significance of this variant remains unclear.

NM_000264.5(PTCH1):c.3926A>C (p.Glu1309Ala)

Gene: PTCH1 (patched 1; minus strand). Cytogenetic location: 9q22.32.
Variant type: single nucleotide variant.
Coding change: c.3926A>C on transcript NM_000264.5 (MANE Select); coding-DNA position 3926, A replaced by C.
Protein change: p.Glu1309Ala; replaces glutamic acid 1309 with alanine.
Molecular consequence: missense variant. On other transcripts: non-coding transcript variant (1).
Genome position (GRCh38, 1-based): chr9:95,447,330, T>G on the plus strand (A>C on the coding strand, the complement: PTCH1 is on the minus strand). VCF-style: chr9-95447330-T-G. GRCh37 (hg19) VCF-style: chr9-98209612-T-G.
Other names: c.3728A>C, p.Glu1243Ala (NM_001083602.3); c.3923A>C, p.Glu1308Ala (NM_001083603.3); c.3473A>C, p.Glu1158Ala (NM_001083604.3, NM_001083605.3, NM_001083606.3 and 1 more transcripts); c.3770A>C, p.Glu1257Ala (NM_001354918.2); short protein forms E1158A, E1243A, E1257A, E1308A, E1309A.
Identifiers: ClinVar variation 4862712 (VCV004862712.1).
Genomic context (GRCh38, chr9:95,447,330, plus strand): 5'-CCTTCAGTAGAAATTTCAAAAGCGTCTCTGCGCGGTCTGTAGGGGGGTGGCCACAAGCCT[T>G]CTCTGGGGGGGTCCCTGCGGGGCTGCTGGCCTTGCCGTCCGGGAGGCAGGGACCCTGAGT-3'
Protein context (NP_000255.2, residues 1299-1319): GQQPRRDPPR[Glu1309Ala]GLWPPPYRPR